The following is an entry in ClinVar:

NM_014334.4(FRRS1L):c.68_69del (p.Pro23fs)

Gene: FRRS1L (ferric chelate reductase 1 like; minus strand). Cytogenetic location: 9q31.3.
Variant type: Deletion.
Coding change: c.68_69del on transcript NM_014334.4 (MANE Select); coding-DNA positions 68 to 69, 2 bases deleted (CC; older notation c.68_69delCC).
Protein change: p.Pro23fs; shifts the reading frame from proline 23.
Molecular consequence: frameshift variant.
Genome position (GRCh38, 1-based): chr9:109,167,070-109,167,071, GG deleted on the plus strand (CC on the coding strand, the reverse complement: FRRS1L is on the minus strand); deleting any 2 consecutive bases within chr9:109,167,070-109,167,072 gives the same sequence; the c. name uses the placement nearest the transcript's 3' end. VCF-style (leftmost placement, unchanged base first): chr9-109167069-CGG-C. GRCh37 (hg19) VCF-style: chr9-111929349-CGG-C.
Other names: short protein forms P23fs.
Identifiers: ClinVar variation 1426886 (VCV001426886.6), dbSNP rs1382335133, ClinGen allele CA2573143770.
Genomic context (GRCh38, chr9:109,167,069, plus strand): 5'-CCCGGGGTCCCCGGCCCCCCGGGCCCGCACCGTCGTCCGCGGGGCTGGCTGCGCAGGCGG[CGG>C]GCCCCGTCAGTAGCAGCAGGAGCAGCGACGCCCAGACCCCCGGGTGCTGCCGGGGCGGCC-3'

ClinVar aggregate classification (germline): Pathogenic (1 of 4 stars; one submission).

Conditions:
Developmental and epileptic encephalopathy, 37 (DEE37). Also called: Epileptic encephalopathy, early infantile, 37. Identifiers: MedGen C4310770, MONDO:0014859, OMIM 616981.

Submission:

Labcorp Genetics (formerly Invitae), Labcorp
Classification: Pathogenic for Developmental and epileptic encephalopathy, 37. Last evaluated: 2024-02-23. Review status: criteria provided, single submitter. Criteria: Invitae Variant Classification Sherloc (09022015). Collection method: clinical testing. Allele origin: germline.
Comment: This sequence change creates a premature translational stop signal (p.Pro74Argfs*81) in the FRRS1L gene. It is expected to result in an absent or disrupted protein product. Loss-of-function variants in FRRS1L are known to be pathogenic (PMID: 27236917). The frequency data for this variant in the population databases is considered unreliable, as metrics indicate insufficient coverage at this position in the gnomAD database. This variant has not been reported in the literature in individuals affected with FRRS1L-related conditions. For these reasons, this variant has been classified as Pathogenic.

Literature cited by the submitters: PubMed 27236917.